The following is an entry in ClinVar:

NM_199355.4(ADAMTS18):c.2324G>A (p.Arg775Gln)

Gene: ADAMTS18 (ADAM metallopeptidase with thrombospondin type 1 motif 18; minus strand). Cytogenetic location: 16q23.1.
Variant type: single nucleotide variant.
Coding change: c.2324G>A on transcript NM_199355.4 (MANE Select); coding-DNA position 2324, G replaced by A.
Protein change: p.Arg775Gln; replaces arginine 775 with glutamine.
Molecular consequence: missense variant.
Genome position (GRCh38, 1-based): chr16:77,320,057, C>T on the plus strand (G>A on the coding strand, the complement: ADAMTS18 is on the minus strand). VCF-style: chr16-77320057-C-T. GRCh37 (hg19) VCF-style: chr16-77353954-C-T.
Other names: c.1808G>A, p.Arg603Gln (NM_001326358.2); short protein forms R603Q, R775Q.
Identifiers: ClinVar variation 1410993 (VCV001410993.6), dbSNP rs1355815263, ClinGen allele CA396827932.

ClinVar aggregate classification (germline): Uncertain significance (1 of 4 stars; one submission).

Allele frequency attached by ClinVar (database versions not stated): gnomAD exomes below 0.00001 and 0.00001; TOPMed 0.00001.

Submission:

Labcorp Genetics (formerly Invitae), Labcorp
Classification: Uncertain significance. Last evaluated: 2022-08-10. Review status: criteria provided, single submitter. Criteria: Invitae Variant Classification Sherloc (09022015). Collection method: clinical testing. Allele origin: germline.
Comment: This sequence change replaces arginine, which is basic and polar, with glutamine, which is neutral and polar, at codon 775 of the ADAMTS18 protein (p.Arg775Gln). This variant is not present in population databases (gnomAD no frequency). This variant has not been reported in the literature in individuals affected with ADAMTS18-related conditions. ClinVar contains an entry for this variant (Variation ID: 1410993). Algorithms developed to predict the effect of missense changes on protein structure and function output the following: SIFT: "Not Available"; PolyPhen-2: "Benign"; Align-GVGD: "Not Available". The glutamine amino acid residue is found in multiple mammalian species, which suggests that this missense change does not adversely affect protein function. In summary, the available evidence is currently insufficient to determine the role of this variant in disease. Therefore, it has been classified as a Variant of Uncertain Significance.